The following is an entry in ClinVar:

ClinVar aggregate classification (germline): Uncertain significance (1 of 4 stars; one submission).

Conditions:
Catecholaminergic polymorphic ventricular tachycardia 1. Also called: VENTRICULAR TACHYCARDIA, CATECHOLAMINERGIC POLYMORPHIC, 1, WITH OR WITHOUT ATRIAL DYSFUNCTION AND/OR DILATED CARDIOMYOPATHY; RYR2-Related Catecholaminergic Polymorphic Ventricular Tachycardia; VENTRICULAR TACHYCARDIA, STRESS-INDUCED POLYMORPHIC 1. Identifiers: Orphanet 3286, MedGen C1631597, MONDO:0011484, OMIM 604772.

Submission:

Labcorp Genetics (formerly Invitae), Labcorp
Classification: Uncertain significance for Catecholaminergic polymorphic ventricular tachycardia 1. Last evaluated: 2021-09-26. Review status: criteria provided, single submitter. Criteria: Invitae Variant Classification Sherloc (09022015). Collection method: clinical testing. Allele origin: germline.
Comment: In summary, the available evidence is currently insufficient to determine the role of this variant in disease. Therefore, it has been classified as a Variant of Uncertain Significance. Advanced modeling of protein sequence and biophysical properties (such as structural, functional, and spatial information, amino acid conservation, physicochemical variation, residue mobility, and thermodynamic stability) performed at Invitae indicates that this missense variant is expected to disrupt RYR2 protein function. ClinVar contains an entry for this variant (Variation ID: 238226). This missense change has been observed in individual(s) with clinical suspicion of catecholaminergic polymorphic ventricular tachycardia (PMID: 31737537). This variant is not present in population databases (ExAC no frequency). This sequence change replaces alanine with valine at codon 624 of the RYR2 protein (p.Ala624Val). The alanine residue is highly conserved and there is a small physicochemical difference between alanine and valine.

Literature cited by the submitters: PubMed 31737537.

NM_001035.3(RYR2):c.1871C>T (p.Ala624Val)

Gene: RYR2 (ryanodine receptor 2; plus strand). Cytogenetic location: 1q43.
Variant type: single nucleotide variant.
Coding change: c.1871C>T on transcript NM_001035.3 (MANE Select); coding-DNA position 1871, C replaced by T.
Protein change: p.Ala624Val; replaces alanine 624 with valine.
Molecular consequence: missense variant.
Genome position (GRCh38, 1-based): chr1:237,492,997, C>T. VCF-style: chr1-237492997-C-T. GRCh37 (hg19) VCF-style: chr1-237656297-C-T.
Other names: c.1871C>T, p.Ala624Val (LRG_402t1); short protein forms A624V.
Identifiers: ClinVar variation 238226 (VCV000238226.8), dbSNP rs878854153, ClinGen allele CA10581773.